The following is an entry in ClinVar:

NM_194248.3(OTOF):c.2843del (p.Pro948fs)

Gene: OTOF (otoferlin; minus strand). Cytogenetic location: 2p23.3.
Variant type: Deletion.
Coding change: c.2843del on transcript NM_194248.3 (MANE Select); coding-DNA position 2843, one base deleted (C; older notation c.2843delC).
Protein change: p.Pro948fs; shifts the reading frame from proline 948.
Molecular consequence: frameshift variant.
Genome position (GRCh38, 1-based): chr2:26,476,151, G deleted on the plus strand (C on the coding strand, the reverse complement: OTOF is on the minus strand); the first of 3 consecutive G bases (chr2:26,476,151-26,476,153); deleting any one gives the same sequence. VCF-style (leftmost placement, unchanged base first): chr2-26476150-TG-T. GRCh37 (hg19) VCF-style: chr2-26699018-TG-T.
Other names: c.2843del, p.Pro948fs (NM_001287489.2); c.602del, p.Pro201fs (NM_004802.4, NM_194323.3); c.773del, p.Pro258fs (NM_194322.3); short protein forms P948fs, P201fs, P258fs.
Identifiers: ClinVar variation 2766916 (VCV002766916.3), dbSNP rs2465583966, ClinGen allele CA2658237316.
Genomic context (GRCh38, chr2:26,476,150, plus strand): 5'-CTCCCAGGTGAGGCTTCGAGTGAGGGGTCCTCACTCACTGGTGTAGACCAGGCTGACGGG[TG>T]GGAAGGCATGCAGGCCCAGGCCCTGGGCTGCCTTGACCTCCTGGAAGCCACAGGGCAGGC-3'

ClinVar aggregate classification (germline): Pathogenic (1 of 4 stars; one submission).

Submission:

Labcorp Genetics (formerly Invitae), Labcorp
Classification: Pathogenic. Last evaluated: 2023-10-08. Review status: criteria provided, single submitter. Criteria: Invitae Variant Classification Sherloc (09022015). Collection method: clinical testing. Allele origin: germline.
Comment: This sequence change creates a premature translational stop signal (p.Pro948Hisfs*52) in the OTOF gene. It is expected to result in an absent or disrupted protein product. Loss-of-function variants in OTOF are known to be pathogenic (PMID: 18381613, 19250381, 22575033). This variant is not present in population databases (gnomAD no frequency). This variant has not been reported in the literature in individuals affected with OTOF-related conditions. For these reasons, this variant has been classified as Pathogenic.

Literature cited by the submitters: PubMed 18381613; PubMed 19250381; PubMed 22575033.